The following is an entry in ClinVar:

NM_001903.5(CTNNA1):c.1326T>A (p.Asn442Lys)

Gene: CTNNA1 (catenin alpha 1; plus strand). Cytogenetic location: 5q31.2.
Variant type: single nucleotide variant.
Coding change: c.1326T>A on transcript NM_001903.5 (MANE Select); coding-DNA position 1326, T replaced by A.
Protein change: p.Asn442Lys; replaces asparagine 442 with lysine.
Molecular consequence: missense variant. On other transcripts: 5 prime UTR variant (6), intron variant (3).
Genome position (GRCh38, 1-based): chr5:138,904,378, T>A. VCF-style: chr5-138904378-T-A. GRCh37 (hg19) VCF-style: chr5-138240067-T-A.
Other names: c.1326T>A, p.Asn442Lys (NM_001323984.2, NM_001323985.2, NM_001290307.3 and 2 more transcripts); c.216T>A, p.Asn72Lys (NM_001323987.1, NM_001323988.1, NM_001323989.1 and 17 more transcripts); c.1017T>A, p.Asn339Lys (NM_001290309.3); c.957T>A, p.Asn319Lys (NM_001290310.3); c.-182T>A (NM_001324006.1, NM_001324007.1, NM_001324008.1 and 1 more transcripts); c.-28T>A (NM_001324012.1, NM_001324013.1); c.1297-13364T>A (NM_001323986.2); c.187-13364T>A (NM_001324011.1); and 1 more; short protein forms N319K, N339K, N442K, N72K.
Identifiers: ClinVar variation 4235629 (VCV004235629.1).

ClinVar aggregate classification (germline): Uncertain significance (1 of 4 stars; one submission).

Conditions:
Hereditary cancer-predisposing syndrome. Also called: Hereditary Cancer Syndrome; Hereditary neoplastic syndrome; Neoplastic Syndromes, Hereditary; Tumor predisposition. Identifiers: Orphanet 140162, MedGen C0027672, MeSH D009386, MONDO:0015356.

Submission:

Ambry Genetics
Classification: Uncertain significance for Hereditary cancer-predisposing syndrome. Last evaluated: 2025-06-23. Review status: criteria provided, single submitter. Criteria: Ambry Variant Classification Scheme 2023. Collection method: clinical testing. Allele origin: germline.
Comment: The p.N442K variant (also known as c.1326T>A), located in coding exon 9 of the CTNNA1 gene, results from a T to A substitution at nucleotide position 1326. The asparagine at codon 442 is replaced by lysine, an amino acid with similar properties. This amino acid position is conserved. In addition, this alteration is predicted to be tolerated by in silico analysis. Based on the available evidence, the clinical significance of this variant remains unclear.